The following is an entry in ClinVar:

ClinVar aggregate classification (germline): Pathogenic (1 of 4 stars; one submission).

Conditions:
Coxopodopatellar syndrome. Also called: ISCHIOPATELLAR DYSPLASIA; SCOTT-TAOR SYNDROME; Small patella syndrome; ISCHIOCOXOPODOPATELLAR SYNDROME; PATELLA APLASIA, COXA VARA, AND TARSAL SYNOSTOSIS; Congenital coxa vara, patella aplasia and tarsal synostosis. Identifiers: Orphanet 1509, MedGen C1840061, MONDO:0007841, OMIM 147891.

Submission:

Stankiewicz Research Laboratory, Baylor College of Medicine
Classification: Pathogenic for Coxopodopatellar syndrome. Last evaluated: 2026-05-12. Review status: criteria provided, single submitter. Criteria: ACMG Guidelines, 2015. Collection method: research. Allele origin: germline. Inheritance: Autosomal dominant inheritance. Affected: yes.
Comment: This variant is classified as pathogenic PVS1 (truncating) + PM2 (absent in gnomAD) + PP4 (phenotype highly specific)

Literature cited by the submitters: PubMed 31727138; PubMed 37422716; PubMed 33971972; PubMed 36367783; PubMed 32006592.

NM_001321120.2(TBX4):c.569_575del (p.His190fs)

Gene: TBX4 (T-box transcription factor 4; plus strand). Cytogenetic location: 17q23.2.
Variant type: Deletion.
Coding change: c.569_575del on transcript NM_001321120.2 (MANE Select); coding-DNA positions 569 to 575, 7 bases deleted (ACAAGTA; older notation c.569_575delACAAGTA).
Protein change: p.His190fs; shifts the reading frame from histidine 190.
Molecular consequence: frameshift variant.
Genome position (GRCh38, 1-based): chr17:61,478,646-61,478,652, ACAAGTA deleted. VCF-style (leftmost placement, unchanged base first): chr17-61478645-CACAAGTA-C. GRCh37 (hg19) VCF-style: chr17-59556006-CACAAGTA-C.
Other names: c.569_575del, p.His190fs (NM_018488.3); short protein forms H190fs.
Identifiers: ClinVar variation 4850556 (VCV004850556.1).